The following is an entry in ClinVar:

NM_024753.5(TTC21B):c.2175T>C (p.Phe725=)

Gene: TTC21B (tetratricopeptide repeat domain 21B; minus strand). Cytogenetic location: 2q24.3.
Variant type: single nucleotide variant.
Coding change: c.2175T>C on transcript NM_024753.5 (MANE Select); coding-DNA position 2175, T replaced by C.
Protein change: p.Phe725=; no amino-acid change (phenylalanine 725 retained).
Molecular consequence: synonymous variant.
Genome position (GRCh38, 1-based): chr2:165,913,610, A>G on the plus strand (T>C on the coding strand, the complement: TTC21B is on the minus strand). VCF-style: chr2-165913610-A-G. GRCh37 (hg19) VCF-style: chr2-166770120-A-G.
Other names: p.Phe725=.
Identifiers: ClinVar variation 130652 (VCV000130652.29), dbSNP rs10176588, ClinGen allele CA155846.
Genomic context (GRCh38, chr2:165,913,610, plus strand): 5'-GTTCAGTAACATCAGAAATTTTACCTCTAGAATATTCATGTATGCATCACCAAGGAGAAG[A>G]AAAGACCGAGGGTTAGCCATTCTTTCAGCAATTTCTCTGGAAATCAGACCAACATTACTT-3'
Protein context (NP_079029.3, residues 715-735): IAERMANPRS[Phe725=]LLLGDAYMNI

ClinVar aggregate classification (germline): Benign. Review status: criteria provided, multiple submitters, no conflicts (2 of 4 stars). 12 submissions from 11 submitters: Benign (9). 3 of the submissions do not count toward it. Last evaluated 2026-02-04.

Conditions:
Jeune thoracic dystrophy. Also called: Jeune syndrome; Infantile thoracic dystrophy; Thoracic pelvic phalangeal dystrophy; Jeune's syndrome; Chondroectodermal dysplasia-like syndrome; Short-rib thoracic dysplasia. Identifiers: Orphanet 474, MedGen C0265275, MONDO:0018770.
Nephronophthisis. Also called: Juvenile Nephronophthisis. Identifiers: Orphanet 655, MedGen C0687120, MONDO:0019005, HP:0000090.
Nephronophthisis 12 (NPHP12). Identifiers: Orphanet 655, MedGen C3151186, MONDO:0013442, OMIM 613820.
Asphyxiating thoracic dystrophy 4 (SRTD4). Also called: SHORT-RIB THORACIC DYSPLASIA 4 WITH OR WITHOUT POLYDACTYLY; SHORT-RIB THORACIC DYSPLASIA 4. Identifiers: Orphanet 474, MedGen C3151185, MONDO:0013441, OMIM 613819.

Allele frequency attached by ClinVar (database versions not stated): 1000 Genomes Project 0.27736; 1000 Genomes Project 30x 0.27811; TOPMed 0.32117; gnomAD exomes 0.32455 and 0.37084; ExAC 0.33023; gnomAD 0.33059 and 0.33260; ESP Exome Variant Server 0.34753.
gnomAD v4.1: 590,623 of 1,609,282 alleles (37%); highest among the groups gnomAD compares: Non-Finnish European, 39%; 111,554 homozygotes.

Submissions (12):

Labcorp Genetics (formerly Invitae), Labcorp
Classification: Benign for Jeune thoracic dystrophy; Nephronophthisis. Last evaluated: 2026-02-04. Review status: criteria provided, single submitter. Criteria: Invitae Variant Classification Sherloc (09022015). Collection method: clinical testing. Allele origin: germline.

Blueprint Genetics
Classification: Benign. Last evaluated: 2024-11-26. Review status: criteria provided, single submitter. Criteria: ACMG Guidelines, 2015. Collection method: clinical testing. Allele origin: germline.

Mayo Clinic Laboratories, Mayo Clinic
Classification: Benign. Last evaluated: 2022-03-09. Review status: criteria provided, single submitter. Criteria: ACMG Guidelines, 2015. Collection method: clinical testing. Allele origin: germline. Observed: 142 variant alleles.

Genome-Nilou Lab
Classification: Benign for Asphyxiating thoracic dystrophy 4. Last evaluated: 2021-09-10. Review status: criteria provided, single submitter. Criteria: ACMG Guidelines, 2015. Collection method: clinical testing. Allele origin: germline. Affected: no.

Illumina Laboratory Services, Illumina
Classification: Benign for Nephronophthisis 12. Last evaluated: 2018-01-13. Review status: criteria provided, single submitter. Criteria: ICSL Variant Classification Criteria 13 December 2019. Collection method: clinical testing. Allele origin: germline.
Comment: This variant was observed in the ICSL laboratory as part of a predisposition screen in an ostensibly healthy population. It had not been previously curated by ICSL or reported in the Human Gene Mutation Database (HGMD: prior to June 1st, 2018), and was therefore a candidate for classification through an automated scoring system. Utilizing variant allele frequency, disease prevalence and penetrance estimates, and inheritance mode, an automated score was calculated to assess if this variant is too frequent to cause the disease. Based on the score and internal cut-off values, a variant classified as benign is not then subjected to further curation. The score for this variant resulted in a classification of benign for this disease.

Illumina Laboratory Services, Illumina
Classification: Benign for Asphyxiating thoracic dystrophy 4. Last evaluated: 2018-01-13. Review status: criteria provided, single submitter. Criteria: ICSL Variant Classification Criteria 13 December 2019. Collection method: clinical testing. Allele origin: germline.
Comment: the same text as in the submission from Illumina Laboratory Services, Illumina above.

GeneDx
Classification: Benign. Last evaluated: 2016-01-11. Review status: criteria provided, single submitter. Criteria: GeneDx Variant Classification (06012015). Collection method: clinical testing. Allele origin: germline. Affected: yes.
Comment: This variant is considered likely benign or benign based on one or more of the following criteria: it is a conservative change, it occurs at a poorly conserved position in the protein, it is predicted to be benign by multiple in silico algorithms, and/or has population frequency not consistent with disease.

Breakthrough Genomics
Classification: Benign. Review status: criteria provided, single submitter. Criteria: ACMG Guidelines, 2015. Collection method: not provided. Allele origin: germline. Inheritance: Autosomal recessive inheritance. Affected: yes.

PreventionGenetics, part of Exact Sciences
Classification: Benign. Review status: criteria provided, single submitter. Criteria: ACMG Guidelines, 2015. Collection method: clinical testing. Allele origin: germline.

Clinical Genetics DNA and cytogenetics Diagnostics Lab, Erasmus MC, Erasmus Medical Center
Classification: Benign. Review status: no assertion criteria provided. Collection method: clinical testing. Allele origin: germline. Affected: yes. Study: VKGL Data-share Consensus. Not counted in ClinVar's aggregate classification.

Diagnostic Laboratory, Department of Genetics, University Medical Center Groningen
Classification: Benign. Review status: no assertion criteria provided. Collection method: clinical testing. Allele origin: germline. Affected: yes. Study: VKGL Data-share Consensus. Not counted in ClinVar's aggregate classification.

Genetic Services Laboratory, University of Chicago
Classification: Likely benign for AllHighlyPenetrant. Review status: no assertion criteria provided. Collection method: clinical testing. Allele origin: germline. Inheritance: Autosomal recessive inheritance. Not counted in ClinVar's aggregate classification.
Comment: Likely benign based on allele frequency in 1000 Genomes Project or ESP global frequency and its presence in a patient with a rare or unrelated disease phenotype. NOT Sanger confirmed.